The following is an entry in ClinVar:

ClinVar aggregate classification (germline): Uncertain significance (1 of 4 stars; one submission).

Conditions:
Charcot-Marie-Tooth disease dominant intermediate C (CMTDIC). Also called: CHARCOT-MARIE-TOOTH NEUROPATHY, DOMINANT INTERMEDIATE C. Identifiers: Orphanet 100045, MedGen C1842237, MONDO:0012012, OMIM 608323.

Submission:

Labcorp Genetics (formerly Invitae), Labcorp
Classification: Uncertain significance for Charcot-Marie-Tooth disease dominant intermediate C. Last evaluated: 2022-09-28. Review status: criteria provided, single submitter. Criteria: Invitae Variant Classification Sherloc (09022015). Collection method: clinical testing. Allele origin: germline.
Comment: This sequence change replaces glutamic acid, which is acidic and polar, with valine, which is neutral and non-polar, at codon 446 of the YARS protein (p.Glu446Val). In summary, the available evidence is currently insufficient to determine the role of this variant in disease. Therefore, it has been classified as a Variant of Uncertain Significance. Algorithms developed to predict the effect of sequence changes on RNA splicing suggest that this variant may create or strengthen a splice site. Algorithms developed to predict the effect of missense changes on protein structure and function are either unavailable or do not agree on the potential impact of this missense change (SIFT: "Not Available"; PolyPhen-2: "Benign"; Align-GVGD: "Not Available"). This variant has not been reported in the literature in individuals affected with YARS-related conditions. This variant is not present in population databases (gnomAD no frequency).

NM_003680.4(YARS1):c.1337A>T (p.Glu446Val)

Gene: YARS1 (tyrosyl-tRNA synthetase 1; minus strand). Cytogenetic location: 1p35.1.
Variant type: single nucleotide variant.
Coding change: c.1337A>T on transcript NM_003680.4 (MANE Select); coding-DNA position 1337, A replaced by T.
Protein change: p.Glu446Val; replaces glutamic acid 446 with valine.
Molecular consequence: missense variant.
Genome position (GRCh38, 1-based): chr1:32,779,521, T>A on the plus strand (A>T on the coding strand, the complement: YARS1 is on the minus strand). VCF-style: chr1-32779521-T-A. GRCh37 (hg19) VCF-style: chr1-33245122-T-A.
Other names: short protein forms E446V.
Identifiers: ClinVar variation 2033132 (VCV002033132.4), dbSNP rs2523349617, ClinGen allele CA339680981.
Genomic context (GRCh38, chr1:32,779,521, plus strand): 5'-TGCTCACCAGGAGCAGAGCCTGCCGGAGGGTCCAGAGGTTCAACCTGGCGGTTTATCCCT[T>A]CTCTGGGAAGACACAGGACAAGAGAAGAGTGAGGCTATGGATGGGTTCCAGTGACTGTGG-3'
Protein context (NP_003671.1, residues 436-456): SQGMLLCASI[Glu446Val]GINRQVEPLD